The following is an entry in ClinVar:

NM_001199753.2(CPT1C):c.253G>A (p.Glu85Lys)

Gene: CPT1C (carnitine palmitoyltransferase 1C; plus strand). Cytogenetic location: 19q13.33.
Variant type: single nucleotide variant.
Coding change: c.253G>A on transcript NM_001199753.2 (MANE Select); coding-DNA position 253, G replaced by A.
Protein change: p.Glu85Lys; replaces glutamic acid 85 with lysine.
Molecular consequence: missense variant. On other transcripts: non-coding transcript variant (1).
Genome position (GRCh38, 1-based): chr19:49,697,437, G>A. VCF-style: chr19-49697437-G-A. GRCh37 (hg19) VCF-style: chr19-50200694-G-A.
Other names: c.253G>A, p.Glu85Lys (NM_001136052.3, NM_001199752.3, NM_001378482.1 and 7 more transcripts); c.253G>A (NM_001199752.1); short protein forms E85K.
Identifiers: ClinVar variation 1176715 (VCV001176715.41), dbSNP rs202006349, ClinGen allele CA9581720.
Genomic context (GRCh38, chr19:49,697,437, plus strand): 5'-CTCTTCAGTGCCATCCAGCTTGCCTGGTTCCTCCAGCTGGATCCTTCCTTAGGACTGATG[G>A]AGAAGATCAAAGAGTTGCTGCCTGACTGGTGAGGTCCCCCCACTCCAGCCCAGTAACCCC-3'
Protein context (NP_001186682.1, residues 75-95): LQLDPSLGLM[Glu85Lys]KIKELLPDWG

ClinVar aggregate classification (germline): Uncertain significance. Review status: criteria provided, multiple submitters, no conflicts (2 of 4 stars). 3 submissions from 3 submitters: Uncertain significance (3). Last evaluated 2025-03-27.

Conditions:
Hereditary spastic paraplegia 73. Also called: Spastic paraplegia 73, autosomal dominant. Identifiers: Orphanet 444099, MedGen C5568981, MONDO:0014568, OMIM 616282.

Allele frequency attached by ClinVar (database versions not stated): ExAC 0.00001; gnomAD exomes 0.00004 and 0.00017; gnomAD 0.00005 and 0.00007; TOPMed 0.00007; ESP Exome Variant Server 0.00008.
gnomAD v4.1: 263 of 1,613,978 alleles (0.016%); highest among the groups gnomAD compares: Non-Finnish European, 0.021%; no homozygotes.

Submissions (3):

Ambry Genetics
Classification: Uncertain significance. Last evaluated: 2025-03-27. Review status: criteria provided, single submitter. Criteria: Ambry Variant Classification Scheme 2023. Collection method: clinical testing. Allele origin: germline.

Labcorp Genetics (formerly Invitae), Labcorp
Classification: Uncertain significance for Hereditary spastic paraplegia 73. Last evaluated: 2024-08-12. Review status: criteria provided, single submitter. Criteria: Invitae Variant Classification Sherloc (09022015). Collection method: clinical testing. Allele origin: germline.
Comment: This sequence change replaces glutamic acid, which is acidic and polar, with lysine, which is basic and polar, at codon 85 of the CPT1C protein (p.Glu85Lys). This variant is present in population databases (rs202006349, gnomAD 0.009%). This variant has not been reported in the literature in individuals affected with CPT1C-related conditions. ClinVar contains an entry for this variant (Variation ID: 1176715). An algorithm developed to predict the effect of missense changes on protein structure and function (PolyPhen-2) suggests that this variant is likely to be disruptive. In summary, the available evidence is currently insufficient to determine the role of this variant in disease. Therefore, it has been classified as a Variant of Uncertain Significance.

CeGaT Center for Human Genetics Tuebingen
Classification: Uncertain significance. Last evaluated: 2021-06-01. Review status: criteria provided, single submitter. Criteria: CeGaT Center For Human Genetics Tuebingen Variant Classification Criteria Version 2. Collection method: clinical testing. Allele origin: germline. Affected: yes. Observed: 1 variant allele.